The following is an entry in ClinVar:

ClinVar aggregate classification (germline): Conflicting classifications of pathogenicity. Review status: criteria provided, conflicting classifications (1 of 4 stars). 4 submissions from 4 submitters: Uncertain significance (3); Likely benign (1). Last evaluated 2025-11-07.

Conditions:
Inborn genetic diseases. Identifiers: MedGen C0950123, MeSH D030342.

Allele frequency attached by ClinVar (database versions not stated): TOPMed below 0.00001; gnomAD exomes 0.00002 and 0.00003.

Submissions (4):

Labcorp Genetics (formerly Invitae), Labcorp
Classification: Likely benign. Last evaluated: 2025-11-07. Review status: criteria provided, single submitter. Criteria: Invitae Variant Classification Sherloc (09022015). Collection method: clinical testing. Allele origin: germline.

Ambry Genetics
Classification: Uncertain significance for Inborn genetic diseases. Last evaluated: 2025-10-22. Review status: criteria provided, single submitter. Criteria: Ambry Variant Classification Scheme 2023. Collection method: clinical testing. Allele origin: germline.
Comment: The c.4117T>C (p.F1373L) alteration is located in exon 23 (coding exon 21) of the SCN3A gene. This alteration results from a T to C substitution at nucleotide position 4117, causing the phenylalanine (F) at amino acid position 1373 to be replaced by a leucine (L). Based on data from gnomAD, the C allele has an overall frequency of 0.002% (4/251402) total alleles studied. The highest observed frequency was 0.013% (4/30616) of South Asian alleles. Based on insufficient or conflicting evidence, the clinical significance of this alteration remains unclear.

GeneDx
Classification: Uncertain significance. Last evaluated: 2023-05-02. Review status: criteria provided, single submitter. Criteria: GeneDx Variant Classification Process June 2021. Collection method: clinical testing. Allele origin: germline. Affected: yes.
Comment: In silico analysis supports that this missense variant has a deleterious effect on protein structure/function; Has not been previously published as pathogenic or benign to our knowledge

Blueprint Genetics
Classification: Uncertain significance. Last evaluated: 2022-10-28. Review status: criteria provided, single submitter. Criteria: ACMG Guidelines, 2015. Collection method: clinical testing. Allele origin: germline.

NM_006922.4(SCN3A):c.4117T>C (p.Phe1373Leu)

Gene: SCN3A (sodium voltage-gated channel alpha subunit 3; minus strand). Cytogenetic location: 2q24.3.
Variant type: single nucleotide variant.
Coding change: c.4117T>C on transcript NM_006922.4 (MANE Select); coding-DNA position 4117, T replaced by C.
Protein change: p.Phe1373Leu; replaces phenylalanine 1373 with leucine.
Molecular consequence: missense variant.
Genome position (GRCh38, 1-based): chr2:165,097,374, A>G on the plus strand (T>C on the coding strand, the complement: SCN3A is on the minus strand). VCF-style: chr2-165097374-A-G. GRCh37 (hg19) VCF-style: chr2-165953884-A-G.
Other names: c.3970T>C, p.Phe1324Leu (NM_001081676.2, NM_001081677.2); short protein forms F1373L, F1324L.
Identifiers: ClinVar variation 432881 (VCV000432881.8), dbSNP rs977221211, ClinGen allele CA59712741.